The following is an entry in ClinVar:

NM_012330.4(KAT6B):c.1527G>C (p.Lys509Asn)

Gene: KAT6B (lysine acetyltransferase 6B; plus strand). Cytogenetic location: 10q22.2.
Variant type: single nucleotide variant.
Coding change: c.1527G>C on transcript NM_012330.4 (MANE Select); coding-DNA position 1527, G replaced by C.
Protein change: p.Lys509Asn; replaces lysine 509 with asparagine.
Molecular consequence: missense variant. On other transcripts: intron variant (13).
Genome position (GRCh38, 1-based): chr10:74,975,864, G>C. VCF-style: chr10-74975864-G-C. GRCh37 (hg19) VCF-style: chr10-76735622-G-C.
Other names: c.1527G>C, p.Lys509Asn (NM_001370136.1, NM_001370137.1); c.1117+410G>C (NM_001370139.1, NM_001370140.1, NM_001370141.1 and 3 more transcripts); c.1444+83G>C (NM_001370138.1, NM_001256468.2); c.846+6089G>C (NM_001370133.1); c.193-3360G>C (NM_001370134.1); c.929-1452G>C (NM_001370143.1, NM_001370144.1); c.193-13155G>C (NM_001370135.1); short protein forms K509N.
Identifiers: ClinVar variation 1805794 (VCV001805794.1), dbSNP rs1842123297, ClinGen allele CA377286926.

ClinVar aggregate classification (germline): Uncertain significance (1 of 4 stars; one submission).

Conditions:
Genitopatellar syndrome (GTPTS). Also called: Genitopatellar syndrome (GPS); ABSENT PATELLAE, SCROTAL HYPOPLASIA, RENAL ANOMALIES, FACIAL DYSMORPHISM, AND MENTAL RETARDATION. Identifiers: Orphanet 85201, MedGen C1853566, MONDO:0011640, OMIM 606170.

Allele frequency attached by ClinVar (database versions not stated): gnomAD exomes below 0.00001.
gnomAD v4.1: 1 of 1,614,062 alleles (0.000062%); highest among the groups gnomAD compares: Non-Finnish European, 0.000085%; no homozygotes.

Submission:

Victorian Clinical Genetics Services, Murdoch Childrens Research Institute
Classification: Uncertain significance for Genitopatellar syndrome. Last evaluated: 2020-05-21. Review status: criteria provided, single submitter. Criteria: ACMG Guidelines, 2015. Collection method: clinical testing. Allele origin: germline. Inheritance: Autosomal dominant inheritance. Affected: yes.
Comment: Based on the classification scheme VCGS_Germline_v0.6.1, this variant is classified as 3B - VUS. Following criteria are met: 0103 - Both loss and gain of function are known mechanism of disease for this gene. 0107 - This gene is known to be associated with autosomal dominant disease. 0200 - Variant is predicted to result in a missense amino acid change from lysine to aparagine (exon 8). 0301 - Variant is absent from gnomAD. 0502 - Missense variant with conflicting in-silico predictions and uninformative conservation. 0504 - Same amino acid change has been observed in mammals. 0604 - Variant is not located in an established domain, motif or hotspot. 0705 - No comparable variants in relevant codon/region have previous evidence for pathogenicity. 0807 - Variant has not previously been reported in a clinical context. 0905 - No published segregation evidence has been identified for this variant. 1007 - No published functional evidence has been identified for this variant.